The following is an entry in ClinVar:

ClinVar aggregate classification (germline): Uncertain significance (1 of 4 stars; one submission).

Allele frequency attached by ClinVar (database versions not stated): TOPMed below 0.00001; gnomAD 0.00001.

Submission:

Labcorp Genetics (formerly Invitae), Labcorp
Classification: Uncertain significance. Last evaluated: 2024-10-16. Review status: criteria provided, single submitter. Criteria: Invitae Variant Classification Sherloc (09022015). Collection method: clinical testing. Allele origin: germline.
Comment: This sequence change replaces methionine, which is neutral and non-polar, with valine, which is neutral and non-polar, at codon 526 of the MKL1 protein (p.Met526Val). This variant is present in population databases (no rsID available, gnomAD no frequency). This variant has not been reported in the literature in individuals affected with MKL1-related conditions. ClinVar contains an entry for this variant (Variation ID: 1683024). An algorithm developed to predict the effect of missense changes on protein structure and function (PolyPhen-2) suggests that this variant is likely to be disruptive. In summary, the available evidence is currently insufficient to determine the role of this variant in disease. Therefore, it has been classified as a Variant of Uncertain Significance.

NM_020831.6(MRTFA):c.1876A>G (p.Met626Val)

Gene: MRTFA (myocardin related transcription factor A; minus strand). Cytogenetic location: 22q13.1.
Variant type: single nucleotide variant.
Coding change: c.1876A>G on transcript NM_020831.6 (MANE Select); coding-DNA position 1876, A replaced by G.
Protein change: p.Met626Val; replaces methionine 626 with valine.
Molecular consequence: missense variant.
Genome position (GRCh38, 1-based): chr22:40,418,862, T>C on the plus strand (A>G on the coding strand, the complement: MRTFA is on the minus strand). VCF-style: chr22-40418862-T-C. GRCh37 (hg19) VCF-style: chr22-40814866-T-C.
Other names: c.1576A>G, p.Met526Val (NM_001282660.2); c.1726A>G, p.Met576Val (NM_001282661.3); c.1876A>G, p.Met626Val (NM_001282662.3); c.1681A>G, p.Met561Val (NM_001318139.2); short protein forms M526V, M561V, M576V, M626V.
Identifiers: ClinVar variation 1683024 (VCV001683024.8), dbSNP rs1187894126, ClinGen allele CA411659576.